The following is an entry in ClinVar:

NM_000038.6(APC):c.7320G>C (p.Gln2440His)

Gene: APC (APC regulator of Wnt signaling pathway; plus strand). Cytogenetic location: 5q22.2.
Variant type: single nucleotide variant.
Coding change: c.7320G>C on transcript NM_000038.6 (MANE Select); coding-DNA position 7320, G replaced by C.
Protein change: p.Gln2440His; replaces glutamine 2440 with histidine.
Molecular consequence: missense variant.
Genome position (GRCh38, 1-based): chr5:112,842,914, G>C. VCF-style: chr5-112842914-G-C. GRCh37 (hg19) VCF-style: chr5-112178611-G-C.
Other names: c.7320G>C, p.Gln2440His (NM_001127510.3, NM_001354895.2); c.7266G>C, p.Gln2422His (NM_001127511.3); c.7374G>C, p.Gln2458His (NM_001354896.2); c.7350G>C, p.Gln2450His (NM_001354897.2); c.7245G>C, p.Gln2415His (NM_001354898.2); c.7236G>C, p.Gln2412His (NM_001354899.2); c.7197G>C, p.Gln2399His (NM_001354900.2); c.7143G>C, p.Gln2381His (NM_001354901.2); and 5 more; short protein forms Q2422H, Q2440H, Q2157H, Q2314H, Q2349H, Q2412H, Q2450H, Q2399H.
Identifiers: ClinVar variation 537519 (VCV000537519.11), dbSNP rs1554088251, ClinGen allele CA16037271.

ClinVar aggregate classification (germline): Uncertain significance. Review status: criteria provided, multiple submitters, no conflicts (2 of 4 stars). 2 submissions from 2 submitters: Uncertain significance (2). Last evaluated 2025-10-06.

Conditions:
Hereditary cancer-predisposing syndrome. Also called: Tumor predisposition; Hereditary Cancer Syndrome; Hereditary neoplastic syndrome; Neoplastic Syndromes, Hereditary. Identifiers: Orphanet 140162, MedGen C0027672, MeSH D009386, MONDO:0015356.
Familial adenomatous polyposis 1 (FAP1). Also called: FAMILIAL ADENOMATOUS POLYPOSIS 1, ATTENUATED; POLYPOSIS, ADENOMATOUS INTESTINAL. Identifiers: MedGen C2713442, MONDO:0021056, OMIM 175100. Disease mechanism: loss of function.

Submissions (2):

Ambry Genetics
Classification: Uncertain significance for Hereditary cancer-predisposing syndrome. Last evaluated: 2025-10-06. Review status: criteria provided, single submitter. Criteria: Ambry Variant Classification Scheme 2023. Collection method: clinical testing. Allele origin: germline.
Comment: The p.Q2440H variant (also known as c.7320G>C), located in coding exon 15 of the APC gene, results from a G to C substitution at nucleotide position 7320. The glutamine at codon 2440 is replaced by histidine, an amino acid with highly similar properties. This amino acid position is highly conserved in available vertebrate species. In addition, in silico predictors for this gene do not accurately predict pathogenicity. Missense variants in APC are not a common cause of disease (Spier I et al. Genet Med. 2024 Feb;26(2):100992). Based on the available evidence, the clinical significance of this variant remains unclear.

Labcorp Genetics (formerly Invitae), Labcorp
Classification: Uncertain significance for Familial adenomatous polyposis 1. Last evaluated: 2024-06-26. Review status: criteria provided, single submitter. Criteria: Invitae Variant Classification Sherloc (09022015). Collection method: clinical testing. Allele origin: germline.
Comment: This sequence change replaces glutamine, which is neutral and polar, with histidine, which is basic and polar, at codon 2440 of the APC protein (p.Gln2440His). This variant is not present in population databases (gnomAD no frequency). This variant has not been reported in the literature in individuals affected with APC-related conditions. ClinVar contains an entry for this variant (Variation ID: 537519). Advanced modeling of protein sequence and biophysical properties (such as structural, functional, and spatial information, amino acid conservation, physicochemical variation, residue mobility, and thermodynamic stability) performed at Invitae indicates that this missense variant is not expected to disrupt APC protein function with a negative predictive value of 95%. In summary, the available evidence is currently insufficient to determine the role of this variant in disease. Therefore, it has been classified as a Variant of Uncertain Significance.